The following is an entry in ClinVar:

NM_001844.5(COL2A1):c.4405G>T (p.Asp1469Tyr)

Gene: COL2A1 (collagen type II alpha 1 chain; minus strand). Cytogenetic location: 12q13.11.
Variant type: single nucleotide variant.
Coding change: c.4405G>T on transcript NM_001844.5 (MANE Select); coding-DNA position 4405, G replaced by T.
Protein change: p.Asp1469Tyr; replaces aspartic acid 1469 with tyrosine.
Molecular consequence: missense variant.
Genome position (GRCh38, 1-based): chr12:47,973,466, C>A on the plus strand (G>T on the coding strand, the complement: COL2A1 is on the minus strand). VCF-style: chr12-47973466-C-A. GRCh37 (hg19) VCF-style: chr12-48367249-C-A.
Other names: c.4198G>T, p.Asp1400Tyr (NM_033150.3); short protein forms D1400Y, D1469Y.
Identifiers: ClinVar variation 1076164 (VCV001076164.9), dbSNP rs2136502090, ClinGen allele CA384533188.

ClinVar aggregate classification (germline): Pathogenic (1 of 4 stars; one submission).

Submission:

Labcorp Genetics (formerly Invitae), Labcorp
Classification: Pathogenic. Last evaluated: 2020-02-06. Review status: criteria provided, single submitter. Criteria: Invitae Variant Classification Sherloc (09022015). Collection method: clinical testing. Allele origin: germline.
Comment: This variant is not present in population databases (ExAC no frequency). This sequence change replaces aspartic acid with tyrosine at codon 1469 of the COL2A1 protein (p.Asp1469Tyr). The aspartic acid residue is highly conserved and there is a large physicochemical difference between aspartic acid and tyrosine. This variant has been observed in individuals affected with COL2A1-related conditions (PMID: 26626311, Invitae). In at least one individual the variant was observed to be de novo. Algorithms developed to predict the effect of missense changes on protein structure and function (SIFT, PolyPhen-2, Align-GVGD) all suggest that this variant is likely to be disruptive, but these predictions have not been confirmed by published functional studies and their clinical significance is uncertain. For these reasons, this variant has been classified as Pathogenic. This variant disrupts the p.Asp1469 amino acid residue in COL2A1. Other variant(s) that disrupt this residue have been observed in individuals with COL2A1-related conditions (PMID: 15643621), which suggests that this may be a clinically significant amino acid residue.

Literature cited by the submitters: PubMed 26626311; PubMed 15643621.